The following is an entry in ClinVar:

ClinVar aggregate classification (germline): Uncertain significance (1 of 4 stars; one submission).

Conditions:
Osteogenesis imperfecta type I (OI1). Also called: Lobstein disease; OI, TYPE I; OSTEOGENESIS IMPERFECTA TARDA; OSTEOGENESIS IMPERFECTA WITH BLUE SCLERAE; Osteogenesis imperfecta type 1; Lobstein's Disease. Identifiers: Orphanet 216796, Orphanet 666, MedGen C0023931, MONDO:0008146, OMIM 166200. Disease mechanism: loss of function.
Ehlers-Danlos syndrome, classic type, 1 (EDSCL1). Also called: EDS I; EHLERS-DANLOS SYNDROME, GRAVIS TYPE; EHLERS-DANLOS SYNDROME, SEVERE CLASSIC TYPE; Ehlers-Danlos syndrome, type 1; Ehlers-Danlos Syndrome, Classic Type, COL5A1-Related. Identifiers: MedGen C0268335, MONDO:0019567, OMIM 130000.

Allele frequency attached by ClinVar (database versions not stated): gnomAD 0.00001; ESP Exome Variant Server 0.00008; TOPMed 0.00001.
gnomAD v4.1: 2 of 1,613,568 alleles (0.00012%); highest among the groups gnomAD compares: Non-Finnish European, 0.00017%; no homozygotes.

Submission:

Labcorp Genetics (formerly Invitae), Labcorp
Classification: Uncertain significance for Osteogenesis imperfecta type I; Ehlers-Danlos syndrome, classic type, 1. Last evaluated: 2024-03-24. Review status: criteria provided, single submitter. Criteria: Invitae Variant Classification Sherloc (09022015). Collection method: clinical testing. Allele origin: germline.
Comment: This sequence change replaces proline, which is neutral and non-polar, with alanine, which is neutral and non-polar, at codon 701 of the COL1A2 protein (p.Pro701Ala). This variant is present in population databases (rs376698697, gnomAD 0.0009%). This variant has not been reported in the literature in individuals affected with COL1A2-related conditions. Advanced modeling of protein sequence and biophysical properties (such as structural, functional, and spatial information, amino acid conservation, physicochemical variation, residue mobility, and thermodynamic stability) performed at Invitae indicates that this missense variant is not expected to disrupt COL1A2 protein function with a negative predictive value of 95%. In summary, the available evidence is currently insufficient to determine the role of this variant in disease. Therefore, it has been classified as a Variant of Uncertain Significance.

NM_000089.4(COL1A2):c.2101C>G (p.Pro701Ala)

Gene: COL1A2 (collagen type I alpha 2 chain; plus strand). Cytogenetic location: 7q21.3.
Variant type: single nucleotide variant.
Coding change: c.2101C>G on transcript NM_000089.4 (MANE Select); coding-DNA position 2101, C replaced by G.
Protein change: p.Pro701Ala; replaces proline 701 with alanine.
Molecular consequence: missense variant.
Genome position (GRCh38, 1-based): chr7:94,420,254, C>G. VCF-style: chr7-94420254-C-G. GRCh37 (hg19) VCF-style: chr7-94049566-C-G.
Other names: short protein forms P701A.
Identifiers: ClinVar variation 2932360 (VCV002932360.3), dbSNP rs376698697, ClinGen allele CA4347315.